The following is an entry in ClinVar:

NM_020442.6(VARS2):c.482C>G (p.Ala161Gly)

Gene: VARS2 (valyl-tRNA synthetase 2, mitochondrial; plus strand). Cytogenetic location: 6p21.33.
Variant type: single nucleotide variant.
Coding change: c.482C>G on transcript NM_020442.6 (MANE Select); coding-DNA position 482, C replaced by G.
Protein change: p.Ala161Gly; replaces alanine 161 with glycine.
Molecular consequence: missense variant.
Genome position (GRCh38, 1-based): chr6:30,915,843, C>G. VCF-style: chr6-30915843-C-G. GRCh37 (hg19) VCF-style: chr6-30883620-C-G.
Other names: c.62C>G, p.Ala21Gly (NM_001167733.3); c.572C>G, p.Ala191Gly (NM_001167734.2); short protein forms A161G, A191G, A21G.
Identifiers: ClinVar variation 1312947 (VCV001312947.2), dbSNP rs369976906, ClinGen allele CA3705598.

ClinVar aggregate classification (germline): Uncertain significance (1 of 4 stars; one submission).

Allele frequency attached by ClinVar (database versions not stated): ExAC 0.00002; gnomAD exomes 0.00002; gnomAD 0.00003 and 0.00004; TOPMed 0.00003; ESP Exome Variant Server 0.00012.
gnomAD v4.1: 24 of 1,614,014 alleles (0.0015%); highest among the groups gnomAD compares: Non-Finnish European, 0.0019%; no homozygotes.

Submission:

GeneDx
Classification: Uncertain significance. Last evaluated: 2020-07-02. Review status: criteria provided, single submitter. Criteria: GeneDx Variant Classification Process June 2021. Collection method: clinical testing. Allele origin: germline. Affected: yes.
Comment: Not observed at a significant frequency in large population cohorts (Lek et al., 2016); In silico analysis supports that this missense variant has a deleterious effect on protein structure/function; Has not been previously published as pathogenic or benign to our knowledge